The following is an entry in ClinVar:

NM_017837.4(PIGV):c.111T>G (p.His37Gln)

Gene: PIGV (phosphatidylinositol glycan anchor biosynthesis class V; plus strand). Cytogenetic location: 1p36.11.
Variant type: single nucleotide variant.
Coding change: c.111T>G on transcript NM_017837.4 (MANE Select); coding-DNA position 111, T replaced by G.
Protein change: p.His37Gln; replaces histidine 37 with glutamine.
Molecular consequence: missense variant. On other transcripts: 5 prime UTR variant (1), non-coding transcript variant (2), intron variant (1).
Genome position (GRCh38, 1-based): chr1:26,794,145, T>G. VCF-style: chr1-26794145-T-G. GRCh37 (hg19) VCF-style: chr1-27120636-T-G.
Other names: c.111T>G, p.His37Gln (NM_001202554.2, NM_001374478.1, NM_001374480.1 and 4 more transcripts); c.-271T>G (NM_001374483.1); c.78+3252T>G (NM_001374486.1); short protein forms H37Q.
Identifiers: ClinVar variation 3770036 (VCV003770036.1).
Genomic context (GRCh38, chr1:26,794,145, plus strand): 5'-AAAATTCTGGTTTTTCTTTACTCCACAGGCCCTCTTCAATGCCATCATCCCAGATCACCA[T>G]GCAGAAGCCTTCTCTCCTCCTCGCCTGGCCCCCTCAGGCTTTGTGGACCAACTCGTGGAA-3'
Protein context (NP_060307.2, residues 27-47): ALFNAIIPDH[His37Gln]AEAFSPPRLA

ClinVar aggregate classification (germline): Uncertain significance (1 of 4 stars; one submission).

gnomAD v4.1: 5 of 1,614,136 alleles (0.00031%); highest among the groups gnomAD compares: African/African-American, 0.004%; no homozygotes.

Submission:

GeneDx
Classification: Uncertain significance. Last evaluated: 2024-09-13. Review status: criteria provided, single submitter. Criteria: GeneDx Variant Classification Process June 2021. Collection method: clinical testing. Allele origin: germline. Affected: yes.
Comment: Not observed at significant frequency in large population cohorts (gnomAD); In silico analysis indicates that this missense variant does not alter protein structure/function; Has not been previously published as pathogenic or benign to our knowledge